The following is an entry in ClinVar:

NM_014795.4(ZEB2):c.505C>T (p.Arg169Cys)

Genes: ZEB2 (zinc finger E-box binding homeobox 2; minus strand), LOC111721705 (skeletal muscle cis-regulatory module overlapping ZEB2; plus strand). Cytogenetic location: 2q22.3.
Variant type: single nucleotide variant.
Coding change: c.505C>T on transcript NM_014795.4 (MANE Select); coding-DNA position 505, C replaced by T.
Protein change: p.Arg169Cys; replaces arginine 169 with cysteine.
Molecular consequence: missense variant.
Genome position (GRCh38, 1-based): chr2:144,404,923, G>A on the plus strand (C>T on the coding strand, the complement: ZEB2 is on the minus strand). VCF-style: chr2-144404923-G-A. GRCh37 (hg19) VCF-style: chr2-145162490-G-A.
Other names: c.433C>T, p.Arg145Cys (NM_001171653.2); short protein forms R145C, R169C.
Identifiers: ClinVar variation 1645597 (VCV001645597.10), dbSNP rs769433211, ClinGen allele CA1898463.
Genomic context (GRCh38, chr2:144,404,923, plus strand): 5'-GCGTGCCAAGGCGAGACAGCTCCTCAGGGGCTTCTGGGTAAATAATGGCTGTGTCACTGC[G>A]CTGAAGGTACTCCTCGATGCTGACTGCATGACCATCGCGTTCCTCCAGTTTTCTTTTGGC-3'
Protein context (NP_055610.1, residues 159-179): HAVSIEEYLQ[Arg169Cys]SDTAIIYPEA

ClinVar aggregate classification (germline): Conflicting classifications of pathogenicity. Review status: criteria provided, conflicting classifications (1 of 4 stars). 3 submissions from 3 submitters: Uncertain significance (2); Likely benign (1). Last evaluated 2026-07-01.

Conditions:
Mowat-Wilson syndrome (MOWS). Also called: Classic Mowat-Wilson Syndrome. Identifiers: Orphanet 2152, MedGen C1856113, MONDO:0009341, OMIM 235730.

Allele frequency attached by ClinVar (database versions not stated): gnomAD exomes below 0.00001 and 0.00001; ExAC 0.00001; TOPMed 0.00002.
gnomAD v4.1: 4 of 1,614,208 alleles (0.00025%); highest among the groups gnomAD compares: South Asian, 0.0022%; no homozygotes.

Submissions (3):

CeGaT Center for Human Genetics Tuebingen
Classification: Uncertain significance. Last evaluated: 2026-07-01. Review status: criteria provided, single submitter. Criteria: CeGaT Center For Human Genetics Tuebingen Variant Classification Criteria Version 2. Collection method: clinical testing. Allele origin: germline. Affected: yes. Observed: 1 variant allele.
Comment: ZEB2: PP3

Labcorp Genetics (formerly Invitae), Labcorp
Classification: Likely benign for Mowat-Wilson syndrome. Last evaluated: 2025-01-19. Review status: criteria provided, single submitter. Criteria: Invitae Variant Classification Sherloc (09022015). Collection method: clinical testing. Allele origin: germline.

Blueprint Genetics
Classification: Uncertain significance. Last evaluated: 2022-03-01. Review status: criteria provided, single submitter. Criteria: ACMG Guidelines, 2015. Collection method: clinical testing. Allele origin: germline.